The following is an entry in ClinVar:

NM_000038.6(APC):c.4968T>G (p.Ser1656=)

Gene: APC (APC regulator of Wnt signaling pathway; plus strand). Cytogenetic location: 5q22.2.
Variant type: single nucleotide variant.
Coding change: c.4968T>G on transcript NM_000038.6 (MANE Select); coding-DNA position 4968, T replaced by G.
Protein change: p.Ser1656=; no amino-acid change (serine 1656 retained).
Molecular consequence: synonymous variant. On other transcripts: non-coding transcript variant (2).
Genome position (GRCh38, 1-based): chr5:112,840,562, T>G. VCF-style: chr5-112840562-T-G. GRCh37 (hg19) VCF-style: chr5-112176259-T-G.
Other names: c.4968T>G, p.Ser1656= (NM_001127510.3, NM_001354895.2, NM_001407450.1); c.4914T>G, p.Ser1638= (NM_001127511.3); c.5022T>G, p.Ser1674= (NM_001354896.2, NM_001407447.1, NM_001407448.1 and 1 more transcripts); c.4998T>G, p.Ser1666= (NM_001354897.2); c.4893T>G, p.Ser1631= (NM_001354898.2); c.4884T>G, p.Ser1628= (NM_001354899.2); c.4845T>G, p.Ser1615= (NM_001354900.2); c.4791T>G, p.Ser1597= (NM_001354901.2, NM_001407453.1); and 11 more.
Identifiers: ClinVar variation 1744444 (VCV001744444.2), dbSNP rs569552944, ClinGen allele CA040297.

ClinVar aggregate classification (germline): Benign/Likely benign. Review status: criteria provided, multiple submitters, no conflicts (2 of 4 stars). 2 submissions from 2 submitters: Benign (1); Likely benign (1). Last evaluated 2024-03-28.

Conditions:
Hereditary cancer-predisposing syndrome. Also called: Hereditary Cancer Syndrome; Neoplastic Syndromes, Hereditary; Tumor predisposition; Hereditary neoplastic syndrome. Identifiers: Orphanet 140162, MedGen C0027672, MeSH D009386, MONDO:0015356.
Familial adenomatous polyposis 1 (FAP1). Also called: FAMILIAL ADENOMATOUS POLYPOSIS 1, ATTENUATED; POLYPOSIS, ADENOMATOUS INTESTINAL. Identifiers: MedGen C2713442, MONDO:0021056, OMIM 175100. Disease mechanism: loss of function.

Allele frequency attached by ClinVar (database versions not stated): ExAC 0.00001; gnomAD 0.00001; 1000 Genomes Project 30x 0.00016; 1000 Genomes Project 0.00020.
gnomAD v4.1: 1 of 1,614,086 alleles (0.000062%); highest among the groups gnomAD compares: South Asian, 0.0011%; no homozygotes.

Submissions (2):

Myriad Genetics, Inc.
Classification: Benign for Familial adenomatous polyposis 1. Last evaluated: 2024-03-28. Review status: criteria provided, single submitter. Criteria: Myriad Autosomal Dominant, Autosomal Recessive and X-Linked Classification Criteria (2023). Collection method: clinical testing. Allele origin: unknown.
Comment: This variant is considered benign. This variant is a silent/synonymous amino acid change and it is not expected to impact splicing.

Ambry Genetics
Classification: Likely benign for Hereditary cancer-predisposing syndrome. Last evaluated: 2022-07-16. Review status: criteria provided, single submitter. Criteria: Ambry Variant Classification Scheme 2023. Collection method: clinical testing. Allele origin: germline.